The following is an entry in ClinVar:

NM_000368.5(TSC1):c.2814-12T>C

Gene: TSC1 (TSC complex subunit 1; minus strand). Cytogenetic location: 9q34.13.
Variant type: single nucleotide variant.
Coding change: c.2814-12T>C on transcript NM_000368.5 (MANE Select); 12 bases into the intron before coding-DNA position 2814, T replaced by C.
Molecular consequence: intron variant.
Genome position (GRCh38, 1-based): chr9:132,897,357, A>G on the plus strand (T>C on the coding strand, the complement: TSC1 is on the minus strand). VCF-style: chr9-132897357-A-G. GRCh37 (hg19) VCF-style: chr9-135772744-A-G.
Other names: c.2451-12T>C (NM_001362177.2); c.2661-12T>C (NM_001162427.2); c.2811-12T>C (NM_001162426.2).
Identifiers: ClinVar variation 2129470 (VCV002129470.4), dbSNP rs2538483672, ClinGen allele CA2580080105.

ClinVar aggregate classification (germline): Uncertain significance (1 of 4 stars; one submission).

Conditions:
Tuberous sclerosis 1 (TSC1). Identifiers: Orphanet 805, MedGen C1854465, MONDO:0008612, OMIM 191100.

Submission:

Labcorp Genetics (formerly Invitae), Labcorp
Classification: Uncertain significance for Tuberous sclerosis 1. Last evaluated: 2022-04-22. Review status: criteria provided, single submitter. Criteria: Invitae Variant Classification Sherloc (09022015). Collection method: clinical testing. Allele origin: germline.
Comment: In summary, the available evidence is currently insufficient to determine the role of this variant in disease. Therefore, it has been classified as a Variant of Uncertain Significance. Algorithms developed to predict the effect of sequence changes on RNA splicing suggest that this variant may disrupt the consensus splice site. This variant has not been reported in the literature in individuals affected with TSC1-related conditions. This variant is not present in population databases (gnomAD no frequency). This sequence change falls in intron 21 of the TSC1 gene. It does not directly change the encoded amino acid sequence of the TSC1 protein.